The following is an entry in ClinVar:

NM_003047.5(SLC9A1):c.1739T>C (p.Met580Thr)

Gene: SLC9A1 (solute carrier family 9 member A1; minus strand). Cytogenetic location: 1p36.11.
Variant type: single nucleotide variant.
Coding change: c.1739T>C on transcript NM_003047.5 (MANE Select); coding-DNA position 1739, T replaced by C.
Protein change: p.Met580Thr; replaces methionine 580 with threonine.
Molecular consequence: missense variant. On other transcripts: non-coding transcript variant (1).
Genome position (GRCh38, 1-based): chr1:27,102,466, A>G on the plus strand (T>C on the coding strand, the complement: SLC9A1 is on the minus strand). VCF-style: chr1-27102466-A-G. GRCh37 (hg19) VCF-style: chr1-27428957-A-G.
Other names: short protein forms M580T.
Identifiers: ClinVar variation 4755903 (VCV004755903.1).

ClinVar aggregate classification (germline): Uncertain significance (1 of 4 stars; one submission).

Submission:

GeneDx
Classification: Uncertain significance. Last evaluated: 2025-08-05. Review status: criteria provided, single submitter. Criteria: GeneDx Variant Classification Process June 2021. Collection method: clinical testing. Allele origin: germline. Affected: yes.
Comment: Not observed at significant frequency in large population cohorts (gnomAD); In silico analysis supports that this missense variant has a deleterious effect on protein structure/function; Has not been previously published as pathogenic or benign to our knowledge